The following is an entry in ClinVar:

NM_203446.3(SYNJ1):c.1534+4C>G

Gene: SYNJ1 (synaptojanin 1; minus strand). Cytogenetic location: 21q22.11.
Variant type: single nucleotide variant.
Coding change: c.1534+4C>G on transcript NM_203446.3 (MANE Select); 4 bases into the intron after coding-DNA position 1534, C replaced by G.
Molecular consequence: intron variant.
Genome position (GRCh38, 1-based): chr21:32,676,328, G>C on the plus strand (C>G on the coding strand, the complement: SYNJ1 is on the minus strand). VCF-style: chr21-32676328-G-C. GRCh37 (hg19) VCF-style: chr21-34048638-G-C.
Other names: c.1651+4C>G (NM_003895.4); c.1534+4C>G (NM_001160302.2); c.1519+2317C>G (NM_001160306.2).
Identifiers: ClinVar variation 1970233 (VCV001970233.5), dbSNP rs748110438, ClinGen allele CA319440389.

ClinVar aggregate classification (germline): Uncertain significance (1 of 4 stars; one submission).

Conditions:
Developmental and epileptic encephalopathy, 53. Also called: Epileptic encephalopathy, early infantile, 53. Identifiers: MedGen C4479313, MONDO:0033362, OMIM 617389.
Early-onset Parkinson disease 20. Also called: PARKINSON DISEASE 20, AUTOSOMAL RECESSIVE EARLY-ONSET. Identifiers: Orphanet 391411, MedGen C3809824, MONDO:0014233, OMIM 615530.

gnomAD v4.1: 1 of 1,603,236 alleles (0.000062%); highest among the groups gnomAD compares: Non-Finnish European, 0.000085%; no homozygotes.

Submission:

Labcorp Genetics (formerly Invitae), Labcorp
Classification: Uncertain significance for Developmental and epileptic encephalopathy, 53; Early-onset Parkinson disease 20. Last evaluated: 2024-10-04. Review status: criteria provided, single submitter. Criteria: Invitae Variant Classification Sherloc (09022015). Collection method: clinical testing. Allele origin: germline.
Comment: This sequence change falls in intron 13 of the SYNJ1 gene. It does not directly change the encoded amino acid sequence of the SYNJ1 protein. It affects a nucleotide within the consensus splice site. This variant is not present in population databases (gnomAD no frequency). This variant has not been reported in the literature in individuals affected with SYNJ1-related conditions. ClinVar contains an entry for this variant (Variation ID: 1970233). Variants that disrupt the consensus splice site are a relatively common cause of aberrant splicing (PMID: 17576681, 9536098). Algorithms developed to predict the effect of sequence changes on RNA splicing suggest that this variant may disrupt the consensus splice site. In summary, the available evidence is currently insufficient to determine the role of this variant in disease. Therefore, it has been classified as a Variant of Uncertain Significance.

Literature cited by the submitters: PubMed 17576681; PubMed 9536098.